The following is an entry in ClinVar:

ClinVar aggregate classification (germline): Uncertain significance. Review status: criteria provided, multiple submitters, no conflicts (2 of 4 stars). 3 submissions from 3 submitters: Uncertain significance (3). Last evaluated 2024-12-18.

Conditions:
COL18A1-related disorder. Also called: COL18A1-related disorders; COL18A1-related condition.
Inborn genetic diseases. Identifiers: MedGen C0950123, MeSH D030342.

gnomAD v4.1: 66 of 1,610,546 alleles (0.0041%); highest among the groups gnomAD compares: Middle Eastern, 0.017%; no homozygotes.

Submissions (3):

PreventionGenetics, part of Exact Sciences
Classification: Uncertain significance for COL18A1-related condition. Last evaluated: 2024-12-18. Review status: criteria provided, single submitter. Criteria: ACMG Guidelines, 2015. Collection method: clinical testing. Allele origin: germline.
Comment: The COL18A1 c.3312G>T variant is predicted to result in the amino acid substitution p.Arg1104Ser. To our knowledge, this variant has not been reported in the literature. This variant is reported in 0.0066% of alleles in individuals of European (Non-Finnish) descent in gnomAD. At this time, the clinical significance of this variant is uncertain due to the absence of conclusive functional and genetic evidence.

Labcorp Genetics (formerly Invitae), Labcorp
Classification: Uncertain significance. Last evaluated: 2022-09-01. Review status: criteria provided, single submitter. Criteria: Invitae Variant Classification Sherloc (09022015). Collection method: clinical testing. Allele origin: germline.
Comment: This sequence change replaces arginine, which is basic and polar, with serine, which is neutral and polar, at codon 924 of the COL18A1 protein (p.Arg924Ser). This variant is present in population databases (rs556346113, gnomAD 0.007%). This variant has not been reported in the literature in individuals affected with COL18A1-related conditions. ClinVar contains an entry for this variant (Variation ID: 1377750). Experimental studies and prediction algorithms are not available or were not evaluated, and the functional significance of this variant is currently unknown. In summary, the available evidence is currently insufficient to determine the role of this variant in disease. Therefore, it has been classified as a Variant of Uncertain Significance.

Ambry Genetics
Classification: Uncertain significance for Inborn genetic diseases. Last evaluated: 2021-09-16. Review status: criteria provided, single submitter. Criteria: Ambry Variant Classification Scheme 2023. Collection method: clinical testing. Allele origin: germline.

NM_001379500.1(COL18A1):c.2772G>T (p.Arg924Ser)

Genes: COL18A1 (collagen type XVIII alpha 1 chain; plus strand), SLC19A1 (solute carrier family 19 member 1; minus strand). Cytogenetic location: 21q22.3.
Variant type: single nucleotide variant.
Coding change: c.2772G>T on transcript NM_001379500.1 (MANE Select); coding-DNA position 2772, G replaced by T.
Protein change: p.Arg924Ser; replaces arginine 924 with serine.
Molecular consequence: missense variant.
Genome position (GRCh38, 1-based): chr21:45,504,460, G>T. VCF-style: chr21-45504460-G-T. GRCh37 (hg19) VCF-style: chr21-46924374-G-T.
Other names: NM_130445.2:c.2772G>T; c.3312G>T (NM_030582.3); c.3312G>T, p.Arg1104Ser (NM_030582.4); c.4017G>T, p.Arg1339Ser (NM_130444.3); short protein forms R1104S, R1339S, R924S.
Identifiers: ClinVar variation 1377750 (VCV001377750.5), dbSNP rs556346113, ClinGen allele CA10067454.